The following is an entry in ClinVar:

ClinVar aggregate classification (germline): Likely benign (1 of 4 stars; one submission).

Conditions:
MYO5B-related disorder. Also called: MYO5B-related condition.

Submission:

PreventionGenetics, part of Exact Sciences
Classification: Likely benign for MYO5B-related condition. Last evaluated: 2024-10-09. Review status: criteria provided, single submitter. Criteria: ACMG Guidelines, 2015. Collection method: clinical testing. Allele origin: germline.
Comment: This variant is classified as likely benign based on ACMG/AMP sequence variant interpretation guidelines (Richards et al. 2015 PMID: 25741868, with internal and published modifications).

NM_001080467.3(MYO5B):c.2091-9T>C

Gene: MYO5B (myosin VB; minus strand). Cytogenetic location: 18q21.1.
Variant type: single nucleotide variant.
Coding change: c.2091-9T>C on transcript NM_001080467.3 (MANE Select); 9 bases into the intron before coding-DNA position 2091, T replaced by C.
Molecular consequence: intron variant.
Genome position (GRCh38, 1-based): chr18:49,912,182, A>G on the plus strand (T>C on the coding strand, the complement: MYO5B is on the minus strand). VCF-style: chr18-49912182-A-G. GRCh37 (hg19) VCF-style: chr18-47438552-A-G.
Identifiers: ClinVar variation 4980554 (VCV004980554.1).
Genomic context (GRCh38, chr18:49,912,182, plus strand): 5'-TCTCTTCTTGACCAGCACCCGATACCGGTTGAAAAAGTCATGGTAGGCCCACCTGGAGGG[A>G]AAGCAAAGGGGCATCAGGTGACACATCCTGCCTCTTGGCCACACAAAAGCCAGGCGTGAC-3'